The following is an entry in ClinVar:

ClinVar aggregate classification (germline): Benign/Likely benign. Review status: criteria provided, multiple submitters, no conflicts (2 of 4 stars). 5 submissions from 5 submitters: Benign (1); Likely benign (4). Last evaluated 2025-03-11.

Conditions:
Congenital contractural arachnodactyly (CCA). Also called: BEALS SYNDROME; Beals-Hecht syndrome; Arthrogryposis, distal, type 9. Identifiers: Orphanet 115, MedGen C0220668, MONDO:0007363, OMIM 121050.
Familial thoracic aortic aneurysm and aortic dissection (TAAD). Also called: Thoracic aortic aneurysms and dissections. Identifiers: Orphanet 91387, MedGen C4707243, MONDO:0019625.
FBN2-related disorder. Also called: FBN2-related condition.

Allele frequency attached by ClinVar (database versions not stated): ExAC 0.00002; TOPMed 0.00002; gnomAD 0.00003; gnomAD exomes 0.00003 and 0.00004.
gnomAD v4.1: 40 of 1,602,690 alleles (0.0025%); highest among the groups gnomAD compares: Admixed American, 0.005%; no homozygotes.

Submissions (5):

Labcorp Genetics (formerly Invitae), Labcorp
Classification: Benign for Congenital contractural arachnodactyly. Last evaluated: 2025-03-11. Review status: criteria provided, single submitter. Criteria: Invitae Variant Classification Sherloc (09022015). Collection method: clinical testing. Allele origin: germline.

PreventionGenetics, part of Exact Sciences
Classification: Likely benign for FBN2-related condition. Last evaluated: 2025-01-31. Review status: criteria provided, single submitter. Criteria: ACMG Guidelines, 2015. Collection method: clinical testing. Allele origin: germline.
Comment: This variant is classified as likely benign based on ACMG/AMP sequence variant interpretation guidelines (Richards et al. 2015 PMID: 25741868, with internal and published modifications).

Ambry Genetics
Classification: Likely benign for Familial thoracic aortic aneurysm and aortic dissection. Last evaluated: 2024-02-25. Review status: criteria provided, single submitter. Criteria: Ambry Variant Classification Scheme 2023. Collection method: clinical testing. Allele origin: germline.

ARUP Laboratories, Molecular Genetics and Genomics, ARUP Laboratories
Classification: Likely benign. Last evaluated: 2022-04-21. Review status: criteria provided, single submitter. Criteria: ARUP Molecular Germline Variant Investigation Process 2021. Collection method: clinical testing. Allele origin: germline.

GeneDx
Classification: Likely benign. Last evaluated: 2018-10-09. Review status: criteria provided, single submitter. Criteria: GeneDx Variant Classification Process June 2021. Collection method: clinical testing. Allele origin: germline. Affected: yes.

NM_001999.4(FBN2):c.5814C>T (p.Cys1938=)

Gene: FBN2 (fibrillin 2; minus strand). Cytogenetic location: 5q23.3.
Variant type: single nucleotide variant.
Coding change: c.5814C>T on transcript NM_001999.4 (MANE Select); coding-DNA position 5814, C replaced by T.
Protein change: p.Cys1938=; no amino-acid change (cysteine 1938 retained).
Molecular consequence: synonymous variant.
Genome position (GRCh38, 1-based): chr5:128,303,076, G>A on the plus strand (C>T on the coding strand, the complement: FBN2 is on the minus strand). VCF-style: chr5-128303076-G-A. GRCh37 (hg19) VCF-style: chr5-127638768-G-A.
Identifiers: ClinVar variation 508343 (VCV000508343.18), dbSNP rs753556200, ClinGen allele CA3394577.
Genomic context (GRCh38, chr5:128,303,076, plus strand): 5'-CAGACAGTTATAGGATCCAACGGTGTTTTTACAAGTTCCATTTCCACATGGATGCCGCTC[G>A]CACTCATCAACATCTATAAAGAAATATAGGCTCAAAAAATTCAATTTTTAACTAGAAAAA-3'
Protein context (NP_001990.2, residues 1928-1948): DQTMCMDVDE[Cys1938=]ERHPCGNGTC